The following is an entry in ClinVar:

NM_000264.5(PTCH1):c.1942C>T (p.His648Tyr)

Genes: PTCH1 (patched 1; minus strand), LOC100507346 (uncharacterized LOC100507346; plus strand). Cytogenetic location: 9q22.32.
Variant type: single nucleotide variant.
Coding change: c.1942C>T on transcript NM_000264.5 (MANE Select); coding-DNA position 1942, C replaced by T.
Protein change: p.His648Tyr; replaces histidine 648 with tyrosine.
Molecular consequence: missense variant. On other transcripts: non-coding transcript variant (2).
Genome position (GRCh38, 1-based): chr9:95,469,059, G>A on the plus strand (C>T on the coding strand, the complement: PTCH1 is on the minus strand). VCF-style: chr9-95469059-G-A. GRCh37 (hg19) VCF-style: chr9-98231341-G-A.
Other names: c.1744C>T, p.His582Tyr (NM_001083602.3); c.1939C>T, p.His647Tyr (NM_001083603.3); c.1489C>T, p.His497Tyr (NM_001083604.3, NM_001083605.3, NM_001083606.3 and 1 more transcripts); c.1786C>T, p.His596Tyr (NM_001354918.2); short protein forms H596Y, H647Y, H497Y, H648Y, H582Y.
Identifiers: ClinVar variation 2848415 (VCV002848415.4), dbSNP rs149762881, ClinGen allele CA374115998.

ClinVar aggregate classification (germline): Uncertain significance. Review status: criteria provided, multiple submitters, no conflicts (2 of 4 stars). 2 submissions from 2 submitters: Uncertain significance (2). Last evaluated 2023-11-16.

Conditions:
Gorlin syndrome. Also called: Nevoid Basal Cell Carcinoma Syndrome; Basal cell nevus syndrome. Identifiers: Orphanet 377, MedGen C0004779, MONDO:0007187.
Hereditary cancer-predisposing syndrome. Also called: Hereditary Cancer Syndrome; Hereditary neoplastic syndrome; Neoplastic Syndromes, Hereditary; Tumor predisposition. Identifiers: Orphanet 140162, MedGen C0027672, MeSH D009386, MONDO:0015356.

Submissions (2):

Ambry Genetics
Classification: Uncertain significance for Hereditary cancer-predisposing syndrome. Last evaluated: 2023-11-16. Review status: criteria provided, single submitter. Criteria: Ambry Variant Classification Scheme 2023. Collection method: clinical testing. Allele origin: germline.
Comment: The p.H648Y variant (also known as c.1942C>T), located in coding exon 14 of the PTCH1 gene, results from a C to T substitution at nucleotide position 1942. The histidine at codon 648 is replaced by tyrosine, an amino acid with similar properties. This amino acid position is conserved. In addition, the in silico prediction for this alteration is inconclusive. Since supporting evidence is limited at this time, the clinical significance of this alteration remains unclear.

Labcorp Genetics (formerly Invitae), Labcorp
Classification: Uncertain significance for Gorlin syndrome. Last evaluated: 2023-03-22. Review status: criteria provided, single submitter. Criteria: Invitae Variant Classification Sherloc (09022015). Collection method: clinical testing. Allele origin: germline.
Comment: This variant is not present in population databases (gnomAD no frequency). In summary, the available evidence is currently insufficient to determine the role of this variant in disease. Therefore, it has been classified as a Variant of Uncertain Significance. Advanced modeling of protein sequence and biophysical properties (such as structural, functional, and spatial information, amino acid conservation, physicochemical variation, residue mobility, and thermodynamic stability) performed at Invitae indicates that this missense variant is not expected to disrupt PTCH1 protein function. This variant has not been reported in the literature in individuals affected with PTCH1-related conditions. This sequence change replaces histidine, which is basic and polar, with tyrosine, which is neutral and polar, at codon 648 of the PTCH1 protein (p.His648Tyr).